The following is an entry in ClinVar:

ClinVar aggregate classification (germline): Uncertain significance (1 of 4 stars; one submission).

Conditions:
Nephronophthisis. Also called: Juvenile Nephronophthisis. Identifiers: Orphanet 655, MedGen C0687120, MONDO:0019005, HP:0000090.

gnomAD v4.1: 1 of 1,613,430 alleles (0.000062%); highest among the groups gnomAD compares: Non-Finnish European, 0.000085%; no homozygotes.

Submission:

Labcorp Genetics (formerly Invitae), Labcorp
Classification: Uncertain significance for Nephronophthisis. Last evaluated: 2025-01-16. Review status: criteria provided, single submitter. Criteria: Invitae Variant Classification Sherloc (09022015). Collection method: clinical testing. Allele origin: germline.
Comment: This sequence change replaces threonine, which is neutral and polar, with methionine, which is neutral and non-polar, at codon 305 of the GLIS2 protein (p.Thr305Met). This variant is not present in population databases (gnomAD no frequency). This variant has not been reported in the literature in individuals affected with GLIS2-related conditions. An algorithm developed to predict the effect of missense changes on protein structure and function (PolyPhen-2) suggests that this variant is likely to be disruptive. In summary, the available evidence is currently insufficient to determine the role of this variant in disease. Therefore, it has been classified as a Variant of Uncertain Significance.

NM_032575.3(GLIS2):c.914C>T (p.Thr305Met)

Gene: GLIS2 (GLIS family zinc finger 2; plus strand). Cytogenetic location: 16p13.3.
Variant type: single nucleotide variant.
Coding change: c.914C>T on transcript NM_032575.3 (MANE Select); coding-DNA position 914, C replaced by T.
Protein change: p.Thr305Met; replaces threonine 305 with methionine.
Molecular consequence: missense variant.
Genome position (GRCh38, 1-based): chr16:4,336,863, C>T. VCF-style: chr16-4336863-C-T. GRCh37 (hg19) VCF-style: chr16-4386864-C-T.
Other names: c.914C>T, p.Thr305Met (NM_001318918.2); short protein forms T305M.
Identifiers: ClinVar variation 3675026 (VCV003675026.2).